The following is an entry in ClinVar:

ClinVar aggregate classification (germline): Uncertain significance. Review status: criteria provided, multiple submitters, no conflicts (2 of 4 stars). 3 submissions from 3 submitters: Uncertain significance (3). Last evaluated 2025-12-07.

Conditions:
Hereditary cancer-predisposing syndrome. Also called: Neoplastic Syndromes, Hereditary; Hereditary Cancer Syndrome; Hereditary neoplastic syndrome; Tumor predisposition. Identifiers: Orphanet 140162, MedGen C0027672, MeSH D009386, MONDO:0015356.
Familial cancer of breast. Also called: BREAST CANCER, FAMILIAL; hereditary breast carcinoma; Hereditary breast cancer. Identifiers: Orphanet 227535, MedGen C0346153, MONDO:0016419, OMIM 114480. Disease mechanism: loss of function.

Submissions (3):

Ambry Genetics
Classification: Uncertain significance for Hereditary cancer-predisposing syndrome. Last evaluated: 2025-12-07. Review status: criteria provided, single submitter. Criteria: Ambry Variant Classification Scheme 2023. Collection method: clinical testing. Allele origin: germline.
Comment: The p.V750D variant (also known as c.2249T>A), located in coding exon 11 of the BARD1 gene, results from a T to A substitution at nucleotide position 2249. The valine at codon 750 is replaced by aspartic acid, an amino acid with highly dissimilar properties. This amino acid position is not well conserved in available vertebrate species. In addition, this alteration is predicted to be tolerated by in silico analysis. Since supporting evidence is limited at this time, the clinical significance of this alteration remains unclear.

Labcorp Genetics (formerly Invitae), Labcorp
Classification: Uncertain significance for Familial cancer of breast. Last evaluated: 2025-11-03. Review status: criteria provided, single submitter. Criteria: Invitae Variant Classification Sherloc (09022015). Collection method: clinical testing. Allele origin: germline.
Comment: This sequence change replaces valine, which is neutral and non-polar, with aspartic acid, which is acidic and polar, at codon 750 of the BARD1 protein (p.Val750Asp). This variant is not present in population databases (gnomAD no frequency). This variant has not been reported in the literature in individuals affected with BARD1-related conditions. ClinVar contains an entry for this variant (Variation ID: 479146). An algorithm developed to predict the effect of missense changes on protein structure and function (PolyPhen-2) suggests that this variant is likely to be disruptive. In summary, the available evidence is currently insufficient to determine the role of this variant in disease. Therefore, it has been classified as a Variant of Uncertain Significance.

Color Diagnostics, LLC DBA Color Health
Classification: Uncertain significance for Hereditary cancer-predisposing syndrome. Last evaluated: 2023-12-04. Review status: criteria provided, single submitter. Criteria: ACMG Guidelines, 2015. Collection method: clinical testing. Allele origin: germline.
Comment: This missense variant replaces valine with aspartic acid at codon 750 of the BARD1 protein. Computational prediction suggests that this variant may not impact protein structure and function (internally defined REVEL score threshold <= 0.5, PMID: 27666373). To our knowledge, functional studies have not been reported for this variant. This variant has not been reported in individuals affected with BARD1-related disorders in the literature. This variant has not been identified in the general population by the Genome Aggregation Database (gnomAD). The available evidence is insufficient to determine the role of this variant in disease conclusively. Therefore, this variant is classified as a Variant of Uncertain Significance.

NM_000465.4(BARD1):c.2249T>A (p.Val750Asp)

Gene: BARD1 (BRCA1 associated RING domain 1; minus strand). Cytogenetic location: 2q35.
Variant type: single nucleotide variant.
Coding change: c.2249T>A on transcript NM_000465.4 (MANE Select); coding-DNA position 2249, T replaced by A.
Protein change: p.Val750Asp; replaces valine 750 with aspartic acid.
Molecular consequence: missense variant. On other transcripts: non-coding transcript variant (3).
Genome position (GRCh38, 1-based): chr2:214,728,761, A>T on the plus strand (T>A on the coding strand, the complement: BARD1 is on the minus strand). VCF-style: chr2-214728761-A-T. GRCh37 (hg19) VCF-style: chr2-215593485-A-T.
Other names: c.2192T>A, p.Val731Asp (NM_001282543.2); c.896T>A, p.Val299Asp (NM_001282545.2); c.839T>A, p.Val280Asp (NM_001282548.2); c.710T>A, p.Val237Asp (NM_001282549.2); short protein forms V750D, V731D, V237D, V280D, V299D.
Identifiers: ClinVar variation 479146 (VCV000479146.18), dbSNP rs1553612064, ClinGen allele CA350449991.